The following is an entry in ClinVar:

ClinVar aggregate classification (germline): Uncertain significance (0 of 4 stars; one submission).

Conditions:
SEMA3A-related disorder. Also called: SEMA3A-related condition.

Allele frequency attached by ClinVar (database versions not stated): gnomAD exomes below 0.00001; TOPMed below 0.00001; ExAC 0.00001.
gnomAD v4.1: 1 of 1,614,086 alleles (0.000062%); highest among the groups gnomAD compares: Admixed American, 0.0017%; no homozygotes.

Submission:

PreventionGenetics, part of Exact Sciences
Classification: Uncertain significance for SEMA3A-related condition. Last evaluated: 2023-12-18. Review status: no assertion criteria provided. Collection method: clinical testing. Allele origin: germline.
Comment: The SEMA3A c.2267G>A variant is predicted to result in the amino acid substitution p.Gly756Asp. To our knowledge, this variant has not been reported in the literature. This variant is reported in 0.0029% of alleles in individuals of Latino descent in gnomAD. At this time, the clinical significance of this variant is uncertain due to the absence of conclusive functional and genetic evidence.

NM_006080.3(SEMA3A):c.2267G>A (p.Gly756Asp)

Gene: SEMA3A (semaphorin 3A; minus strand). Cytogenetic location: 7q21.11.
Variant type: single nucleotide variant.
Coding change: c.2267G>A on transcript NM_006080.3 (MANE Select); coding-DNA position 2267, G replaced by A.
Protein change: p.Gly756Asp; replaces glycine 756 with aspartic acid.
Molecular consequence: missense variant.
Genome position (GRCh38, 1-based): chr7:83,961,420, C>T on the plus strand (G>A on the coding strand, the complement: SEMA3A is on the minus strand). VCF-style: chr7-83961420-C-T. GRCh37 (hg19) VCF-style: chr7-83590736-C-T.
Other names: short protein forms G756D.
Identifiers: ClinVar variation 3056586 (VCV003056586.2), dbSNP rs754608912, ClinGen allele CA4322517.